The following is an entry in ClinVar:

ClinVar aggregate classification (germline): Uncertain significance (1 of 4 stars; one submission).

Conditions:
Pityriasis rubra pilaris (PRP). Also called: Pityriasis rubra pilaris--familial type. Identifiers: Orphanet 2897, MedGen C0032027, MONDO:0100017, OMIM 173200, MONDO:0008251.
Psoriasis 2. Identifiers: MedGen C1864497, MONDO:0011269, OMIM 602723.

Allele frequency attached by ClinVar (database versions not stated): gnomAD exomes below 0.00001; ExAC 0.00001.
gnomAD v4.1: 1 of 1,597,922 alleles (0.000063%); highest among the groups gnomAD compares: Non-Finnish European, 0.000085%; no homozygotes.

Submission:

Labcorp Genetics (formerly Invitae), Labcorp
Classification: Uncertain significance for Pityriasis rubra pilaris; Psoriasis 2. Last evaluated: 2020-03-26. Review status: criteria provided, single submitter. Criteria: Invitae Variant Classification Sherloc (09022015). Collection method: clinical testing. Allele origin: germline.
Comment: The current clinical and genetic evidence is not sufficient to establish whether loss-of-function variants in CARD14 cause disease. Algorithms developed to predict the effect of sequence changes on RNA splicing suggest that this variant may disrupt the consensus splice site, but this prediction has not been confirmed by published transcriptional studies. This variant has not been reported in the literature in individuals with CARD14-related conditions. This variant is present in population databases (rs766603184, ExAC 0.002%). This sequence change affects an acceptor splice site in intron 12 of the CARD14 gene. It is expected to disrupt RNA splicing and likely results in an absent or disrupted protein product. In summary, the available evidence is currently insufficient to determine the role of this variant in disease. Therefore, it has been classified as a Variant of Uncertain Significance.

NM_001366385.1(CARD14):c.1659-1G>A

Gene: CARD14 (caspase recruitment domain family member 14; plus strand). Cytogenetic location: 17q25.3.
Variant type: single nucleotide variant.
Coding change: c.1659-1G>A on transcript NM_001366385.1 (MANE Select); the canonical splice acceptor site of the intron before coding-DNA position 1659, G replaced by A.
Molecular consequence: splice acceptor variant.
Genome position (GRCh38, 1-based): chr17:80,198,398, G>A. VCF-style: chr17-80198398-G-A. GRCh37 (hg19) VCF-style: chr17-78172197-G-A.
Other names: c.1659-1G>A (NM_024110.4, NM_001257970.1); c.948-1G>A (NM_052819.3).
Identifiers: ClinVar variation 1061817 (VCV001061817.7), dbSNP rs766603184, ClinGen allele CA8816938.